The following is an entry in ClinVar:

NM_138711.6(PPARG):c.389A>T (p.Lys130Met)

Gene: PPARG (peroxisome proliferator activated receptor gamma; plus strand). Cytogenetic location: 3p25.2.
Variant type: single nucleotide variant.
Coding change: c.389A>T on transcript NM_138711.6 (MANE Select); coding-DNA position 389, A replaced by T.
Protein change: p.Lys130Met; replaces lysine 130 with methionine.
Molecular consequence: missense variant. On other transcripts: 5 prime UTR variant (1).
Genome position (GRCh38, 1-based): chr3:12,381,490, A>T. VCF-style: chr3-12381490-A-T. GRCh37 (hg19) VCF-style: chr3-12422989-A-T.
Other names: c.389A>T, p.Lys130Met (NM_001330615.4, NM_001354666.3, NM_001354667.3 and 6 more transcripts); c.479A>T, p.Lys160Met (NM_001354668.2, NM_001374265.1, NM_015869.5); c.-39A>T (NM_001354669.2); c.395A>T, p.Lys132Met (NM_001354670.2, NM_001374266.1); short protein forms K132M, K160M, K130M.
Identifiers: ClinVar variation 2844285 (VCV002844285.3), dbSNP rs2470896621, ClinGen allele CA351618222.

ClinVar aggregate classification (germline): Uncertain significance (1 of 4 stars; one submission).

Submission:

Labcorp Genetics (formerly Invitae), Labcorp
Classification: Uncertain significance. Last evaluated: 2023-09-03. Review status: criteria provided, single submitter. Criteria: Invitae Variant Classification Sherloc (09022015). Collection method: clinical testing. Allele origin: germline.
Comment: In summary, the available evidence is currently insufficient to determine the role of this variant in disease. Therefore, it has been classified as a Variant of Uncertain Significance. An algorithm developed to predict the effect of missense changes on protein structure and function (PolyPhen-2) suggests that this variant is likely to be disruptive. This missense change has been observed in individual(s) with clinical features of partial lipodystrophy (Invitae). It has also been observed to segregate with disease in related individuals. This variant is not present in population databases (gnomAD no frequency). This sequence change replaces lysine, which is basic and polar, with methionine, which is neutral and non-polar, at codon 160 of the PPARG protein (p.Lys160Met).